The following is an entry in ClinVar:

ClinVar aggregate classification (germline): Uncertain significance. Review status: criteria provided, multiple submitters, no conflicts (2 of 4 stars). 2 submissions from 2 submitters: Uncertain significance (2). Last evaluated 2023-02-14.

Conditions:
Inborn genetic diseases. Identifiers: MedGen C0950123, MeSH D030342.

Allele frequency attached by ClinVar (database versions not stated): gnomAD 0.00001; TOPMed 0.00001.
gnomAD v4.1: 46 of 1,520,156 alleles (0.003%); highest among the groups gnomAD compares: Non-Finnish European, 0.004%; no homozygotes.

Submissions (2):

Ambry Genetics
Classification: Uncertain significance for Inborn genetic diseases. Last evaluated: 2023-02-14. Review status: criteria provided, single submitter. Criteria: Ambry Variant Classification Scheme 2023. Collection method: clinical testing. Allele origin: germline.

GeneDx
Classification: Uncertain significance. Last evaluated: 2023-01-19. Review status: criteria provided, single submitter. Criteria: GeneDx Variant Classification Process June 2021. Collection method: clinical testing. Allele origin: germline. Affected: yes.
Comment: Not observed at significant frequency in large population cohorts (gnomAD); In silico analysis supports that this missense variant does not alter protein structure/function; Has not been previously published as pathogenic or benign to our knowledge

NM_005883.3(APC2):c.4813G>A (p.Ala1605Thr)

Gene: APC2 (APC regulator of WNT signaling pathway 2; plus strand). Cytogenetic location: 19p13.3.
Variant type: single nucleotide variant.
Coding change: c.4813G>A on transcript NM_005883.3 (MANE Select); coding-DNA position 4813, G replaced by A.
Protein change: p.Ala1605Thr; replaces alanine 1605 with threonine.
Molecular consequence: missense variant.
Genome position (GRCh38, 1-based): chr19:1,468,114, G>A. VCF-style: chr19-1468114-G-A. GRCh37 (hg19) VCF-style: chr19-1468113-G-A.
Other names: c.4810G>A, p.Ala1604Thr (NM_001351273.1); short protein forms A1604T, A1605T.
Identifiers: ClinVar variation 2483368 (VCV002483368.3), dbSNP rs1250091238, ClinGen allele CA403038319.